The following is an entry in ClinVar:

ClinVar aggregate classification (germline): Conflicting classifications of pathogenicity. Review status: criteria provided, conflicting classifications (1 of 4 stars). 8 submissions from 8 submitters: Uncertain significance (1); Benign (4); Likely benign (2). 1 of the submissions does not count toward it. Last evaluated 2026-07-01.

Conditions:
MYO15A-related disorder. Also called: MYO15A-related condition.
Autosomal recessive nonsyndromic hearing loss 3. Also called: NEUROSENSORY NONSYNDROMIC RECESSIVE DEAFNESS 3. Identifiers: Orphanet 90636, MedGen C1838263, MONDO:0010860, OMIM 600316.

Allele frequency attached by ClinVar (database versions not stated): gnomAD 0.00139 and 0.00153; ESP Exome Variant Server 0.00143; gnomAD exomes 0.00183 and 0.00233; TOPMed 0.00189; 1000 Genomes Project 0.00220; ExAC 0.00232; 1000 Genomes Project 30x 0.00234.

Submissions (8):

CeGaT Center for Human Genetics Tuebingen
Classification: Likely benign. Last evaluated: 2026-07-01. Review status: criteria provided, single submitter. Criteria: CeGaT Center For Human Genetics Tuebingen Variant Classification Criteria Version 2. Collection method: clinical testing. Allele origin: germline. Affected: yes. Observed: 8 variant alleles.
Comment: MYO15A: BS2

Labcorp Genetics (formerly Invitae), Labcorp
Classification: Benign. Last evaluated: 2026-01-25. Review status: criteria provided, single submitter. Criteria: Invitae Variant Classification Sherloc (09022015). Collection method: clinical testing. Allele origin: germline.

Blueprint Genetics
Classification: Likely benign. Last evaluated: 2024-11-21. Review status: criteria provided, single submitter. Criteria: ACMG Guidelines, 2015. Collection method: clinical testing. Allele origin: germline.

ARUP Laboratories, Molecular Genetics and Genomics, ARUP Laboratories
Classification: Benign for Autosomal recessive nonsyndromic hearing loss 3. Last evaluated: 2021-07-30. Review status: criteria provided, single submitter. Criteria: ARUP Molecular Germline Variant Investigation Process 2021. Collection method: clinical testing. Allele origin: germline.

GeneDx
Classification: Benign. Last evaluated: 2019-04-08. Review status: criteria provided, single submitter. Criteria: GeneDx Variant Classification Process June 2021. Collection method: clinical testing. Allele origin: germline. Affected: yes.

Illumina Laboratory Services, Illumina
Classification: Uncertain significance for Autosomal recessive nonsyndromic hearing loss 3. Last evaluated: 2018-01-13. Review status: criteria provided, single submitter. Criteria: ICSL Variant Classification Criteria 13 December 2019. Collection method: clinical testing. Allele origin: germline.

Laboratory for Molecular Medicine, Mass General Brigham Personalized Medicine
Classification: Benign. Last evaluated: 2016-01-15. Review status: criteria provided, single submitter. Criteria: LMM Criteria. Collection method: clinical testing. Allele origin: germline. Observed: 12 variant alleles.
Comment: p.Val2757Met in exon 46 of MYO15A: This variant is not expected to have clinical significance due to a lack of conservation across species, including mammals. Of note, hedgehog, elephant, hyrax and platypus have a methionine (Met) at this position despite high nearby amino acid conservation. In addition, this variant has been identified in 0.6% (94/16282) of South Asian chromosomes including 1 ho mozygote by the Exome Aggregation Consortium (ExAC, rg; dbSNP rs140140417).

PreventionGenetics, part of Exact Sciences
Classification: Likely benign for MYO15A-related condition. Last evaluated: 2020-03-17. Review status: no assertion criteria provided. Collection method: clinical testing. Allele origin: germline. Not counted in ClinVar's aggregate classification.
Comment: This variant is classified as likely benign based on ACMG/AMP sequence variant interpretation guidelines (Richards et al. 2015 PMID: 25741868, with internal and published modifications).

NM_016239.4(MYO15A):c.8269G>A (p.Val2757Met)

Gene: MYO15A (myosin XVA; plus strand). Cytogenetic location: 17p11.2.
Variant type: single nucleotide variant.
Coding change: c.8269G>A on transcript NM_016239.4 (MANE Select); coding-DNA position 8269, G replaced by A.
Protein change: p.Val2757Met; replaces valine 2757 with methionine.
Molecular consequence: missense variant.
Genome position (GRCh38, 1-based): chr17:18,155,154, G>A. VCF-style: chr17-18155154-G-A. GRCh37 (hg19) VCF-style: chr17-18058468-G-A.
Other names: short protein forms V2757M.
Identifiers: ClinVar variation 164555 (VCV000164555.65), dbSNP rs140140417, ClinGen allele CA177257.